The following is an entry in ClinVar:

ClinVar aggregate classification (germline): Uncertain significance (1 of 4 stars; one submission).

Conditions:
Lymphoproliferative syndrome 1 (LPFS1). Identifiers: Orphanet 238505, Orphanet 538963, MedGen C3552634, MONDO:0013081, OMIM 613011.

Submission:

Labcorp Genetics (formerly Invitae), Labcorp
Classification: Uncertain significance for Lymphoproliferative syndrome 1. Last evaluated: 2025-09-29. Review status: criteria provided, single submitter. Criteria: Invitae Variant Classification Sherloc (09022015). Collection method: clinical testing. Allele origin: germline.
Comment: This sequence change affects the initiator codon of the ITK mRNA. This change may impact translation initiation or efficiency. The next in-frame methionine is located at codon 126. This variant is not present in population databases (gnomAD no frequency). This variant has not been reported in the literature in individuals affected with ITK-related conditions. Experimental studies and prediction algorithms are not available or were not evaluated, and the functional significance of this variant is currently unknown. This variant disrupts a region of the ITK protein in which other variant(s) (p.Arg29Cys ) have been observed in individuals with ITK-related conditions (PMID: 31388699). This suggests that this is a clinically significant region of the protein, and that variants that disrupt it are likely to be disease-causing. In summary, the available evidence is currently insufficient to determine the role of this variant in disease. Therefore, it has been classified as a Variant of Uncertain Significance.

Literature cited by the submitters: PubMed 31388699.

NM_005546.4(ITK):c.2T>C (p.Met1Thr)

Gene: ITK (IL2 inducible T cell kinase; plus strand). Cytogenetic location: 5q33.3.
Variant type: single nucleotide variant.
Coding change: c.2T>C on transcript NM_005546.4 (MANE Select); coding-DNA position 2, T replaced by C.
Protein change: p.Met1Thr; changes the start codon (methionine 1).
Molecular consequence: missense variant, initiator codon variant.
Genome position (GRCh38, 1-based): chr5:157,180,979, T>C. VCF-style: chr5-157180979-T-C. GRCh37 (hg19) VCF-style: chr5-156607990-T-C.
Other names: short protein forms M1T.
Identifiers: ClinVar variation 4728113 (VCV004728113.1).